The following is an entry in ClinVar:

NM_080860.4(RSPH1):c.797C>T (p.Pro266Leu)

Gene: RSPH1 (radial spoke head component 1; minus strand). Cytogenetic location: 21q22.3.
Variant type: single nucleotide variant.
Coding change: c.797C>T on transcript NM_080860.4 (MANE Select); coding-DNA position 797, C replaced by T.
Protein change: p.Pro266Leu; replaces proline 266 with leucine.
Molecular consequence: missense variant.
Genome position (GRCh38, 1-based): chr21:42,475,978, G>A on the plus strand (C>T on the coding strand, the complement: RSPH1 is on the minus strand). VCF-style: chr21-42475978-G-A. GRCh37 (hg19) VCF-style: chr21-43896088-G-A.
Other names: c.797C>T (NM_080860.2); c.683C>T, p.Pro228Leu (NM_001286506.2); short protein forms P266L, P228L.
Identifiers: ClinVar variation 580924 (VCV000580924.8), dbSNP rs146309440, ClinGen allele CA10043743.
Genomic context (GRCh38, chr21:42,475,978, plus strand): 5'-AACTCCTCCTGGTCATACTCCCGGCTCTCTTCCCGGAGGACGTCTGCATCTTCATCTCCA[G>A]GCCTCATGTCCATCTCACCCTCGAAGCCCTCCAGCAGAGCCTGGGCCTCCTCCCCGGGTT-3'
Protein context (NP_543136.1, residues 256-276): EGFEGEMDMR[Pro266Leu]GDEDADVLRE

ClinVar aggregate classification (germline): Uncertain significance. Review status: criteria provided, multiple submitters, no conflicts (2 of 4 stars). 2 submissions from 2 submitters: Uncertain significance (2). Last evaluated 2025-05-17.

Conditions:
Inborn genetic diseases. Identifiers: MedGen C0950123, MeSH D030342.
Primary ciliary dyskinesia. Also called: Ciliary dyskinesia. Identifiers: Orphanet 244, MedGen C0008780, MONDO:0016575, HP:0012265.

Allele frequency attached by ClinVar (database versions not stated): gnomAD exomes 0.00003 and 0.00008; ExAC 0.00010; TOPMed 0.00024; gnomAD 0.00026 and 0.00027; ESP Exome Variant Server 0.00031; 1000 Genomes Project 0.00060; 1000 Genomes Project 30x 0.00062.
gnomAD v4.1: 83 of 1,613,106 alleles (0.0051%); highest among the groups gnomAD compares: African/African-American, 0.1%; no homozygotes.

Submissions (2):

Ambry Genetics
Classification: Uncertain significance for Inborn genetic diseases. Last evaluated: 2025-05-17. Review status: criteria provided, single submitter. Criteria: Ambry Variant Classification Scheme 2023. Collection method: clinical testing. Allele origin: germline.

Labcorp Genetics (formerly Invitae), Labcorp
Classification: Uncertain significance for Primary ciliary dyskinesia. Last evaluated: 2022-08-09. Review status: criteria provided, single submitter. Criteria: Invitae Variant Classification Sherloc (09022015). Collection method: clinical testing. Allele origin: germline.
Comment: This sequence change replaces proline, which is neutral and non-polar, with leucine, which is neutral and non-polar, at codon 266 of the RSPH1 protein (p.Pro266Leu). This variant is present in population databases (rs146309440, gnomAD 0.09%). This variant has not been reported in the literature in individuals affected with RSPH1-related conditions. ClinVar contains an entry for this variant (Variation ID: 580924). Algorithms developed to predict the effect of missense changes on protein structure and function output the following: SIFT: "Tolerated"; PolyPhen-2: "Benign"; Align-GVGD: "Class C0". The leucine amino acid residue is found in multiple mammalian species, which suggests that this missense change does not adversely affect protein function. In summary, the available evidence is currently insufficient to determine the role of this variant in disease. Therefore, it has been classified as a Variant of Uncertain Significance.